The following is an entry in ClinVar:

NM_001365999.1(SZT2):c.7274C>T (p.Pro2425Leu)

Gene: SZT2 (SZT2 subunit of KICSTOR complex; plus strand). Cytogenetic location: 1p34.2.
Variant type: single nucleotide variant.
Coding change: c.7274C>T on transcript NM_001365999.1 (MANE Select); coding-DNA position 7274, C replaced by T.
Protein change: p.Pro2425Leu; replaces proline 2425 with leucine.
Molecular consequence: missense variant.
Genome position (GRCh38, 1-based): chr1:43,440,516, C>T. VCF-style: chr1-43440516-C-T. GRCh37 (hg19) VCF-style: chr1-43906187-C-T.
Other names: c.7103C>T, p.Pro2368Leu (NM_015284.4); short protein forms P2368L, P2425L.
Identifiers: ClinVar variation 1983176 (VCV001983176.4), dbSNP rs1557589083, ClinGen allele CA340034344.

ClinVar aggregate classification (germline): Uncertain significance (1 of 4 stars; one submission).

Allele frequency attached by ClinVar (database versions not stated): gnomAD 0.00001.
gnomAD v4.1: 2 of 1,608,902 alleles (0.00012%); highest among the groups gnomAD compares: Middle Eastern, 0.016%; no homozygotes.

Submission:

Labcorp Genetics (formerly Invitae), Labcorp
Classification: Uncertain significance. Last evaluated: 2022-06-30. Review status: criteria provided, single submitter. Criteria: Invitae Variant Classification Sherloc (09022015). Collection method: clinical testing. Allele origin: germline.
Comment: In summary, the available evidence is currently insufficient to determine the role of this variant in disease. Therefore, it has been classified as a Variant of Uncertain Significance. Algorithms developed to predict the effect of missense changes on protein structure and function (SIFT, PolyPhen-2, Align-GVGD) all suggest that this variant is likely to be tolerated. This variant has not been reported in the literature in individuals affected with SZT2-related conditions. This variant is not present in population databases (gnomAD no frequency). This sequence change replaces proline, which is neutral and non-polar, with leucine, which is neutral and non-polar, at codon 2368 of the SZT2 protein (p.Pro2368Leu).